The following is an entry in ClinVar:

NM_000219.6(KCNE1):c.106C>T (p.Arg36Cys)

Gene: KCNE1 (potassium voltage-gated channel subfamily E regulatory subunit 1; minus strand). Cytogenetic location: 21q22.12.
Variant type: single nucleotide variant.
Coding change: c.106C>T on transcript NM_000219.6 (MANE Select); coding-DNA position 106, C replaced by T.
Protein change: p.Arg36Cys; replaces arginine 36 with cysteine.
Molecular consequence: missense variant.
Genome position (GRCh38, 1-based): chr21:34,449,529, G>A on the plus strand (C>T on the coding strand, the complement: KCNE1 is on the minus strand). VCF-style: chr21-34449529-G-A. GRCh37 (hg19) VCF-style: chr21-35821827-G-A.
Other names: c.106C>T, p.Arg36Cys (NM_001127668.4, NM_001127669.4, NM_001127670.4 and 4 more transcripts); short protein forms R36C.
Identifiers: ClinVar variation 518804 (VCV000518804.20), dbSNP rs372398235, ClinGen allele CA320425481.

ClinVar aggregate classification (germline): Conflicting classifications of pathogenicity. Review status: criteria provided, conflicting classifications (1 of 4 stars). 4 submissions from 4 submitters: Uncertain significance (3); Likely benign (1). Last evaluated 2025-04-20.

Conditions:
Cardiovascular phenotype. Identifiers: MedGen CN230736.
Long QT syndrome (LQTS). Identifiers: MedGen C0023976, MeSH D008133, MONDO:0002442. Disease mechanism: loss of function. Inheritance: Various modes of inheritance.

Allele frequency attached by ClinVar (database versions not stated): TOPMed 0.00001; gnomAD 0.00005; ESP Exome Variant Server 0.00008.

Submissions (5):

Labcorp Genetics (formerly Invitae), Labcorp
Classification: Uncertain significance for Long QT syndrome. Last evaluated: 2025-04-20. Review status: criteria provided, single submitter. Criteria: Invitae Variant Classification Sherloc (09022015). Collection method: clinical testing. Allele origin: germline.
Comment: This sequence change replaces arginine, which is basic and polar, with cysteine, which is neutral and slightly polar, at codon 36 of the KCNE1 protein (p.Arg36Cys). This variant is present in population databases (rs372398235, gnomAD 0.007%). This variant has not been reported in the literature in individuals affected with KCNE1-related conditions. ClinVar contains an entry for this variant (Variation ID: 518804). Invitae Evidence Modeling of protein sequence and biophysical properties (such as structural, functional, and spatial information, amino acid conservation, physicochemical variation, residue mobility, and thermodynamic stability) indicates that this missense variant is not expected to disrupt KCNE1 protein function with a negative predictive value of 95%. In summary, the available evidence is currently insufficient to determine the role of this variant in disease. Therefore, it has been classified as a Variant of Uncertain Significance.

Blueprint Genetics
Classification: Uncertain significance. Last evaluated: 2024-09-30. Review status: criteria provided, single submitter. Criteria: ACMG Guidelines, 2015. Collection method: clinical testing. Allele origin: germline.

GeneDx
Classification: Uncertain significance. Last evaluated: 2024-06-07. Review status: criteria provided, single submitter. Criteria: GeneDx Variant Classification Process June 2021. Collection method: clinical testing. Allele origin: germline. Affected: yes.
Comment: Observed in a patient with hypertrophic cardiomyopathy in published literature; the patient harbored variants in other genes (PMID: 23396983); Functional studies indicate position R36 is involved in contact with position Q147 of the KCNQ1 gene; the exact consequences of the R36C variant cannot be determined from this study (PMID: 21152909); In silico analysis indicates that this missense variant does not alter protein structure/function; This variant is associated with the following publications: (PMID: 16414944, 21152909, 23396983)

Ambry Genetics
Classification: Likely benign for Cardiovascular phenotype. Last evaluated: 2024-03-28. Review status: criteria provided, single submitter. Criteria: Ambry Variant Classification Scheme 2023. Collection method: clinical testing. Allele origin: germline.

Roden Lab, Vanderbilt University Medical Center
No classification provided (evidence only). Condition: Long QT syndrome 5. Review status: no classification provided. Collection method: in vitro. Allele origin: not applicable. Functional consequence: Effect on ion channel function. Not counted in ClinVar's aggregate classification.
ClinVar note: "not provided" was previously submitted as the classification for the variant. However, the classification appeared to be based only on an observation of functional data so it was converted to no classification on 2025-07-30.

Literature cited by the submitters: PubMed 16414944 (cited by Ambry Genetics); PubMed 21152909 (cited by Ambry Genetics); PubMed 23396983 (cited by Ambry Genetics).